The following is an entry in ClinVar:

ClinVar aggregate classification (germline): Uncertain significance (1 of 4 stars; one submission).

gnomAD v4.1: 1 of 1,531,306 alleles (0.000065%); highest among the groups gnomAD compares: South Asian, 0.0012%; no homozygotes.

Submission:

Labcorp Genetics (formerly Invitae), Labcorp
Classification: Uncertain significance. Last evaluated: 2022-12-02. Review status: criteria provided, single submitter. Criteria: Invitae Variant Classification Sherloc (09022015). Collection method: clinical testing. Allele origin: germline.
Comment: This sequence change replaces tyrosine, which is neutral and polar, with aspartic acid, which is acidic and polar, at codon 5 of the DNAJC21 protein (p.Tyr5Asp). This variant is not present in population databases (gnomAD no frequency). This variant has not been reported in the literature in individuals affected with DNAJC21-related conditions. Algorithms developed to predict the effect of missense changes on protein structure and function are either unavailable or do not agree on the potential impact of this missense change (SIFT: "Deleterious"; PolyPhen-2: "Benign"; Align-GVGD: "Class C0"). In summary, the available evidence is currently insufficient to determine the role of this variant in disease. Therefore, it has been classified as a Variant of Uncertain Significance.

NM_001012339.3(DNAJC21):c.13T>G (p.Tyr5Asp)

Genes: DNAJC21 (DnaJ heat shock protein family (Hsp40) member C21; plus strand), LOC129993792 (ATAC-STARR-seq lymphoblastoid silent region 15969; plus strand). Cytogenetic location: 5p13.2.
Variant type: single nucleotide variant.
Coding change: c.13T>G on transcript NM_001012339.3 (MANE Select); coding-DNA position 13, T replaced by G.
Protein change: p.Tyr5Asp; replaces tyrosine 5 with aspartic acid.
Molecular consequence: missense variant.
Genome position (GRCh38, 1-based): chr5:34,929,832, T>G. VCF-style: chr5-34929832-T-G. GRCh37 (hg19) VCF-style: chr5-34929937-T-G.
Other names: c.13T>G, p.Tyr5Asp (NM_001348420.2, NM_194283.4); short protein forms Y5D.
Identifiers: ClinVar variation 2091860 (VCV002091860.4), dbSNP rs2480558608, ClinGen allele CA359409725.